The following is an entry in ClinVar:

ClinVar aggregate classification (germline): Pathogenic (1 of 4 stars; one submission).

Conditions:
CHARGE syndrome (CHARGE). Also called: Coloboma, heart anomaly, choanal atresia, retardation, genital and ear anomalies; CHARGE association; Hall-Hittner syndrome; Hittner Hirsch Kreh syndrome; CHARGE ASSOCIATION--COLOBOMA, HEART ANOMALY, CHOANAL ATRESIA, RETARDATION, GENITAL AND EAR ANOMALIES. Identifiers: Orphanet 138, MedGen C0265354, MONDO:0008965.

Submission:

Labcorp Genetics (formerly Invitae), Labcorp
Classification: Pathogenic for CHARGE syndrome. Last evaluated: 2018-09-06. Review status: criteria provided, single submitter. Criteria: Invitae Variant Classification Sherloc (09022015). Collection method: clinical testing. Allele origin: germline.
Comment: This variant has not been reported in the literature in individuals with CHD7-related disease. This sequence change creates a premature translational stop signal (p.Ser2453Lysfs*51) in the CHD7 gene. It is expected to result in an absent or disrupted protein product. This variant is not present in population databases (ExAC no frequency). Loss-of-function variants in CHD7 are known to be pathogenic (PMID: 22461308, 25077900). For these reasons, this variant has been classified as Pathogenic.

Literature cited by the submitters: PubMed 22461308; PubMed 25077900.

NM_017780.4(CHD7):c.7356_7357dup (p.Ser2453fs)

Gene: CHD7 (chromodomain helicase DNA binding protein 7; plus strand). Cytogenetic location: 8q12.2.
Variant type: Duplication.
Coding change: c.7356_7357dup on transcript NM_017780.4 (MANE Select); coding-DNA positions 7356 to 7357, 2 bases duplicated (AA; older notation c.7356_7357dupAA).
Protein change: p.Ser2453fs; shifts the reading frame from serine 2453.
Molecular consequence: frameshift variant. On other transcripts: intron variant (1).
Genome position (GRCh38, 1-based): chr8:60,856,636-60,856,637, AA duplicated. VCF-style (leftmost placement, unchanged base first): chr8-60856635-C-CAA. GRCh37 (hg19) VCF-style: chr8-61769194-C-CAA.
Other names: c.1717-5593_1717-5592dup (NM_001316690.1); short protein forms S2453fs.
Identifiers: ClinVar variation 642853 (VCV000642853.6), dbSNP rs1586453329, ClinGen allele CA915945724.
Genomic context (GRCh38, chr8:60,856,635, plus strand): 5'-TGGTCTCAGAAAATGGACAAGAAAAAGTTGTAGATTTATCAAAGGCCTCAAGAGAGGCAA[C>CAA]AAGCTCTACCTCAAATTTTTCATCTCTTTCTTCAAAGTTTATCTTGCCTAATGTCTCAAC-3'